The following is an entry in ClinVar:

ClinVar aggregate classification (germline): Conflicting classifications of pathogenicity. Review status: criteria provided, conflicting classifications (1 of 4 stars). 3 submissions from 3 submitters: Uncertain significance (2); Likely benign (1). Last evaluated 2024-07-20.

Conditions:
BRCA2-related cancer predisposition. Identifiers: MedGen CN377758, MONDO:0700269.
Hereditary cancer-predisposing syndrome. Also called: Hereditary Cancer Syndrome; Hereditary neoplastic syndrome; Neoplastic Syndromes, Hereditary; Tumor predisposition. Identifiers: Orphanet 140162, MedGen C0027672, MeSH D009386, MONDO:0015356.

Submissions (3):

All of Us Research Program, National Institutes of Health
Classification: Uncertain significance for BRCA2-related cancer predisposition. Last evaluated: 2024-07-20. Review status: criteria provided, single submitter. Criteria: ACMG Guidelines, 2015. Collection method: clinical testing. Allele origin: germline. Inheritance: Autosomal dominant inheritance. Observed: 1 variant allele, 1 heterozygote.
Comment: This missense variant replaces lysine with arginine at codon 343 of the BRCA2 protein. Computational prediction suggests that this variant may not impact protein structure and function (internally defined REVEL score threshold <= 0.5, PMID: 27666373). To our knowledge, functional studies have not been reported for this variant. This variant has not been reported in individuals affected with BRCA2-related disorders in the literature. This variant has not been identified in the general population by the Genome Aggregation Database (gnomAD). The available evidence is insufficient to determine the role of this variant in disease conclusively. Therefore, this variant is classified as a Variant of Uncertain Significance.

This study involves interpretation of variants in research participants for the purpose of population health screening. Participant phenotype was not available at the time of variant classification. Additional details can be found in publication PMID: 35346344, PMCID: PMC8962531

University of Washington Department of Laboratory Medicine, University of Washington
Classification: Likely benign for Hereditary cancer-predisposing syndrome. Last evaluated: 2023-03-23. Review status: criteria provided, single submitter. Criteria: Dines et al. (Genet Med. 2020). Collection method: curation. Allele origin: germline.
Comment: Missense variant in a coldspot region where missense variants are very unlikely to be pathogenic (PMID:31911673).

BRCA2 exon 10 coldspot. Reclassification based on statistical prior probability.

Ambry Genetics
Classification: Uncertain significance for Hereditary cancer-predisposing syndrome. Last evaluated: 2020-02-05. Review status: criteria provided, single submitter. Criteria: Ambry Variant Classification Scheme 2023. Collection method: clinical testing. Allele origin: germline.
Comment: The p.K343R variant (also known as c.1028A>G), located in coding exon 9 of the BRCA2 gene, results from an A to G substitution at nucleotide position 1028. The lysine at codon 343 is replaced by arginine, an amino acid with highly similar properties. This amino acid position is poorly conserved in available vertebrate species. In addition, this alteration is predicted to be tolerated by in silico analysis. Since supporting evidence is limited at this time, the clinical significance of this alteration remains unclear.

NM_000059.4(BRCA2):c.1028A>G (p.Lys343Arg)

Gene: BRCA2 (BRCA2 DNA repair associated; plus strand). Cytogenetic location: 13q13.1.
Variant type: single nucleotide variant.
Coding change: c.1028A>G on transcript NM_000059.4 (MANE Select); coding-DNA position 1028, A replaced by G.
Protein change: p.Lys343Arg; replaces lysine 343 with arginine.
Molecular consequence: missense variant.
Genome position (GRCh38, 1-based): chr13:32,332,506, A>G. VCF-style: chr13-32332506-A-G. GRCh37 (hg19) VCF-style: chr13-32906643-A-G.
Other names: c.1028A>G, p.Lys343Arg (NM_001406719.1, NM_001406720.1, NM_001406721.1); short protein forms K343R.
Identifiers: ClinVar variation 1770067 (VCV001770067.5), dbSNP rs2548519388, ClinGen allele CA387761158.